The following is an entry in ClinVar:

ClinVar aggregate classification (germline): Uncertain significance (1 of 4 stars; one submission).

Submission:

Labcorp Genetics (formerly Invitae), Labcorp
Classification: Uncertain significance. Last evaluated: 2024-10-17. Review status: criteria provided, single submitter. Criteria: Invitae Variant Classification Sherloc (09022015). Collection method: clinical testing. Allele origin: germline.
Comment: This sequence change replaces leucine, which is neutral and non-polar, with phenylalanine, which is neutral and non-polar, at codon 2333 of the DCHS1 protein (p.Leu2333Phe). This variant is not present in population databases (gnomAD no frequency). This variant has not been reported in the literature in individuals affected with DCHS1-related conditions. Invitae Evidence Modeling of protein sequence and biophysical properties (such as structural, functional, and spatial information, amino acid conservation, physicochemical variation, residue mobility, and thermodynamic stability) indicates that this missense variant is expected to disrupt DCHS1 protein function with a positive predictive value of 80%. In summary, the available evidence is currently insufficient to determine the role of this variant in disease. Therefore, it has been classified as a Variant of Uncertain Significance.

NM_003737.4(DCHS1):c.6997C>T (p.Leu2333Phe)

Gene: DCHS1 (dachsous cadherin-related 1; minus strand). Cytogenetic location: 11p15.4.
Variant type: single nucleotide variant.
Coding change: c.6997C>T on transcript NM_003737.4 (MANE Select); coding-DNA position 6997, C replaced by T.
Protein change: p.Leu2333Phe; replaces leucine 2333 with phenylalanine.
Molecular consequence: missense variant.
Genome position (GRCh38, 1-based): chr11:6,625,347, G>A on the plus strand (C>T on the coding strand, the complement: DCHS1 is on the minus strand). VCF-style: chr11-6625347-G-A. GRCh37 (hg19) VCF-style: chr11-6646578-G-A.
Other names: short protein forms L2333F.
Identifiers: ClinVar variation 3666071 (VCV003666071.2).